The following is an entry in ClinVar:

NM_030773.4(TUBB1):c.1039AAC[1] (p.Asn348del)

Gene: TUBB1 (tubulin beta 1 class VI; plus strand). Cytogenetic location: 20q13.32.
Variant type: Microsatellite.
Coding change: c.1039AAC[1] on transcript NM_030773.4 (MANE Select); one copy of the 3-base unit AAC starting at c.1039; the reference has two copies in a row; one copy, 3 bases deleted; also written c.1042_1044del.
Protein change: p.Asn348del; deletes asparagine 348.
Genome position (GRCh38, 1-based): chr20:59,024,469-59,024,471, AAC deleted; deleting any 3 consecutive bases within chr20:59,024,465-59,024,471 gives the same sequence; the position shown is the placement nearest the transcript's 3' end. VCF-style (leftmost placement, unchanged base first): chr20-59024464-CCAA-C. GRCh37 (hg19) VCF-style: chr20-57599519-CCAA-C.
Other names: p.Asn348del; c.1042_1044del (NM_030773.4); short protein forms N348del.
Identifiers: ClinVar variation 3380667 (VCV003380667.5).

ClinVar aggregate classification (germline): Conflicting classifications of pathogenicity. Review status: criteria provided, conflicting classifications (1 of 4 stars). 3 submissions from 3 submitters: Uncertain significance (2); Likely benign (1). Last evaluated 2025-09-29.

Submissions (3):

Labcorp Genetics (formerly Invitae), Labcorp
Classification: Uncertain significance. Last evaluated: 2025-09-29. Review status: criteria provided, single submitter. Criteria: Invitae Variant Classification Sherloc (09022015). Collection method: clinical testing. Allele origin: germline.
Comment: This variant, c.1042_1044del, results in the deletion of 1 amino acid(s) of the TUBB1 protein (p.Asn348del), but otherwise preserves the integrity of the reading frame. This variant is present in population databases (rs773185354, gnomAD 0.01%). This variant has been observed in individual(s) with mild isolated nonsyndromic thrombocytopenia (PMID: 32757236). Experimental studies and prediction algorithms are not available or were not evaluated, and the functional significance of this variant is currently unknown. In summary, the available evidence is currently insufficient to determine the role of this variant in disease. Therefore, it has been classified as a Variant of Uncertain Significance.

Mayo Clinic Laboratories, Mayo Clinic
Classification: Uncertain significance. Last evaluated: 2025-04-22. Review status: criteria provided, single submitter. Criteria: ACMG Guidelines, 2015. Collection method: clinical testing. Allele origin: germline. Observed: 3 variant alleles.
Comment: PM4

Blueprint Genetics
Classification: Likely benign. Last evaluated: 2024-11-28. Review status: criteria provided, single submitter. Criteria: ACMG Guidelines, 2015. Collection method: clinical testing. Allele origin: germline.

Literature cited by the submitters: PubMed 32757236 (cited by Labcorp Genetics (formerly Invitae), Labcorp and Mayo Clinic Laboratories, Mayo Clinic); PubMed 35148939 (cited by Mayo Clinic Laboratories, Mayo Clinic).